The following is an entry in ClinVar:

NM_001365902.3(NFIX):c.512C>T (p.Thr171Ile)

Gene: NFIX (nuclear factor I X; plus strand). Cytogenetic location: 19p13.13.
Variant type: single nucleotide variant.
Coding change: c.512C>T on transcript NM_001365902.3 (MANE Select); coding-DNA position 512, C replaced by T.
Protein change: p.Thr171Ile; replaces threonine 171 with isoleucine.
Molecular consequence: missense variant.
Genome position (GRCh38, 1-based): chr19:13,025,505, C>T. VCF-style: chr19-13025505-C-T. GRCh37 (hg19) VCF-style: chr19-13136319-C-T.
Other names: c.536C>T, p.Thr179Ile (NM_001271043.2); c.488C>T, p.Thr163Ile (NM_001271044.3, NM_001378404.1, NM_001440616.1 and 1 more transcripts); c.512C>T, p.Thr171Ile (NM_001365982.2, NM_002501.4); c.371C>T, p.Thr124Ile (NM_001365983.2); c.509C>T, p.Thr170Ile (NM_001365984.2, NM_001365985.2); c.560C>T, p.Thr187Ile (NM_001378405.1); short protein forms T124I, T163I, T170I, T171I, T179I, T187I.
Identifiers: ClinVar variation 4854775 (VCV004854775.1).

ClinVar aggregate classification (germline): Uncertain significance (1 of 4 stars; one submission).

Conditions:
NFIX-related disorder. Also called: NFIX-related condition.

Submission:

3billion
Classification: Uncertain significance for NFIX-related disorder. Last evaluated: 2025-10-02. Review status: criteria provided, single submitter. Criteria: ACMG Guidelines, 2015. Collection method: clinical testing. Allele origin: germline. Affected: yes.
Comment: The variant is not observed in the gnomAD v4.1.0 dataset. Predicted Consequence/Location: The variant is located in a mutational hot spot and/or well-established functional domain in which established pathogenic variants have been reported (PMID: 29897170). In silico tool predictions suggest damaging effect of the variant on gene or gene product [3Cnet: 0.99 (> 0.75, sensitivity 0.96 and precision 0.92)]. Therefore, this variant is classified as VUS according to the recommendation of ACMG/AMP guideline.